The following is an entry in ClinVar:

NM_001148.6(ANK2):c.2991A>G (p.Lys997=)

Gene: ANK2 (ankyrin 2; plus strand). Cytogenetic location: 4q26.
Variant type: single nucleotide variant.
Coding change: c.2991A>G on transcript NM_001148.6 (MANE Select); coding-DNA position 2991, A replaced by G.
Protein change: p.Lys997=; no amino-acid change (lysine 997 retained).
Molecular consequence: synonymous variant.
Genome position (GRCh38, 1-based): chr4:113,330,336, A>G. VCF-style: chr4-113330336-A-G. GRCh37 (hg19) VCF-style: chr4-114251492-A-G.
Other names: c.2964A>G, p.Lys988= (NM_001127493.3); c.3003A>G, p.Lys1001= (NM_001354225.2); c.2991A>G, p.Lys997= (NM_001354228.2, NM_001354258.2, NM_020977.5); c.3069A>G, p.Lys1023= (NM_001354230.2, NM_001354237.2); c.3033A>G, p.Lys1011= (NM_001354231.2, NM_001354242.2); c.3027A>G, p.Lys1009= (NM_001354232.2); c.2988A>G, p.Lys996= (NM_001354235.2, NM_001354236.2, NM_001354246.2 and 1 more transcripts); c.2961A>G, p.Lys987= (NM_001354239.2, NM_001354252.2, NM_001354272.2); and 23 more.
Identifiers: ClinVar variation 1798526 (VCV001798526.6), dbSNP rs77582626, ClinGen allele CA3050754.

ClinVar aggregate classification (germline): Likely benign. Review status: criteria provided, multiple submitters, no conflicts (2 of 4 stars). 3 submissions from 3 submitters: Likely benign (2). 1 of the submissions does not count toward it. Last evaluated 2024-07-19.

Conditions:
ANK2-related disorder. Also called: ANK2-related condition.
Cardiovascular phenotype. Identifiers: MedGen CN230736.
Long QT syndrome (LQTS). Identifiers: MedGen C0023976, MeSH D008133, MONDO:0002442. Disease mechanism: loss of function. Inheritance: Various modes of inheritance.

Allele frequency attached by ClinVar (database versions not stated): gnomAD 0.00002; TOPMed 0.00002; ExAC 0.00002; gnomAD exomes 0.00003; 1000 Genomes Project 0.00020; 1000 Genomes Project 30x 0.00031.
gnomAD v4.1: 51 of 1,614,224 alleles (0.0032%); highest among the groups gnomAD compares: Non-Finnish European, 0.0042%; no homozygotes.

Submissions (3):

Labcorp Genetics (formerly Invitae), Labcorp
Classification: Likely benign for Long QT syndrome. Last evaluated: 2024-07-19. Review status: criteria provided, single submitter. Criteria: Invitae Variant Classification Sherloc (09022015). Collection method: clinical testing. Allele origin: germline.

Ambry Genetics
Classification: Likely benign for Cardiovascular phenotype. Last evaluated: 2021-01-24. Review status: criteria provided, single submitter. Criteria: Ambry Variant Classification Scheme 2023. Collection method: clinical testing. Allele origin: germline.

PreventionGenetics, part of Exact Sciences
Classification: Likely benign for ANK2-related condition. Last evaluated: 2021-08-11. Review status: no assertion criteria provided. Collection method: clinical testing. Allele origin: germline. Not counted in ClinVar's aggregate classification.
Comment: This variant is classified as likely benign based on ACMG/AMP sequence variant interpretation guidelines (Richards et al. 2015 PMID: 25741868, with internal and published modifications).